The following is an entry in ClinVar:

ClinVar aggregate classification (germline): Likely pathogenic. Review status: criteria provided, multiple submitters, no conflicts (2 of 4 stars). 3 submissions from 3 submitters: Likely pathogenic (3). Last evaluated 2026-04-30.

Conditions:
Hereditary breast ovarian cancer syndrome. Also called: Hereditary breast and ovarian cancer syndrome; BRCA1- and BRCA2-Associated Hereditary Breast and Ovarian Cancer; Hereditary breast and ovarian cancer; Hereditary breast and ovarian cancer syndrome (HBOC); Breast and ovarian cancer; Hereditary breast and/or ovarian cancer syndrome. Identifiers: Orphanet 145, MedGen C0677776, MeSH D061325, MONDO:0003582. Disease mechanism: loss of function.
Hereditary cancer-predisposing syndrome. Also called: Neoplastic Syndromes, Hereditary; Tumor predisposition; Hereditary Cancer Syndrome; Hereditary neoplastic syndrome. Identifiers: Orphanet 140162, MedGen C0027672, MeSH D009386, MONDO:0015356.

Submissions (3):

Ambry Genetics
Classification: Likely pathogenic for Hereditary cancer-predisposing syndrome. Last evaluated: 2026-04-30. Review status: criteria provided, single submitter. Criteria: Ambry Variant Classification Scheme 2023. Collection method: clinical testing. Allele origin: germline.
Comment: The c.1629-3_1634delTAGATTTGC variant results from a deletion of 9 nucleotides between positions c.1629-3 and c.1634 and involves the canonical splice acceptor site before coding exon 11 of the BRIP1 gene. This variant is considered to be rare based on population cohorts in the Genome Aggregation Database (gnomAD). The canonical splice acceptor site is highly conserved in available vertebrate species. In silico splice site analysis predicts that this alteration will weaken the native splice acceptor site; however, direct evidence is insufficient at this time (Ambry internal data). Variants that disrupt the canonical splice site are expected to cause aberrant splicing, resulting in an abnormal protein or a transcript that is subject to nonsense-mediated mRNA decay. As such, this variant is classified as likely pathogenic.

Color Diagnostics, LLC DBA Color Health
Classification: Likely pathogenic for Hereditary cancer-predisposing syndrome. Last evaluated: 2024-09-04. Review status: criteria provided, single submitter. Criteria: ACMG Guidelines, 2015. Collection method: clinical testing. Allele origin: germline.
Comment: This variant causes the deletion of the last 3 nucleotides of intron 11 and first 6 nucleotides of exon 12 of the BRIP1 gene. Splice site prediction tools predict that this variant may have a significant impact on RNA splicing. Although functional studies have not been reported for this variant, it is expected to result in an absent or non-functional protein product. This variant has not been reported in individuals affected with BRIP1-related disorders in the literature. This variant has not been identified in the general population by the Genome Aggregation Database (gnomAD). Based on the available evidence, this variant is classified as Likely Pathogenic.

German Consortium for Hereditary Breast and Ovarian Cancer, University Hospital Cologne
Classification: Likely pathogenic for Hereditary breast ovarian cancer syndrome. Last evaluated: 2024-02-15. Review status: criteria provided, single submitter. Criteria: ACMG Guidelines, 2015. Collection method: curation. Allele origin: germline.
Comment: Vorbehaltlich der Ergebnisse der RNA-Analyse in München bzw. im Rahmen von HerediVar; According to the ACMG SVI adaptation criteria we chose these criteria: PVS1 (very strong pathogenic): Exon skipping or use of a cryptic splice site disrupts reading frame and is predicted to undergo NMD, PM2 (supporting pathogenic): not in gnomAD

NM_032043.3(BRIP1):c.1629-3_1634del

Gene: BRIP1 (BRCA1 interacting DNA helicase 1; minus strand). Cytogenetic location: 17q23.2.
Variant type: Deletion.
Coding change: c.1629-3_1634del on transcript NM_032043.3 (MANE Select); 3 bases into the intron before coding-DNA position 1629 through coding-DNA position 1634, 9 bases deleted (TAGATTTGC; older notation c.1629-3_1634delTAGATTTGC).
Molecular consequence: splice acceptor variant.
Genome position (GRCh38, 1-based): chr17:61,781,000-61,781,008, GCAAATCTA deleted on the plus strand (TAGATTTGC on the coding strand, the reverse complement: BRIP1 is on the minus strand); deleting any 9 consecutive bases within chr17:61,781,000-61,781,009 gives the same sequence; the c. name uses the placement nearest the transcript's 3' end. VCF-style (leftmost placement, unchanged base first): chr17-61780999-TGCAAATCTA-T. GRCh37 (hg19) VCF-style: chr17-59858360-TGCAAATCTA-T.
Other names: c.1629-3_1634delTAGATTTGC (NM_032043.2).
Identifiers: ClinVar variation 3362807 (VCV003362807.3).
Genomic context (GRCh38, chr17:61,780,999, plus strand): 5'-TGAAATATCAATCTGATTTGTCCAGGAGTAAGTCTGTTGAATCGCAATTTTATAATCATC[TGCAAATCTA>T]GATGCAAAGAAAGTGCTAATTAAGTGGCAAAACTTTTAAAACCTATGACCCAGCTACATA-3'